The following is an entry in ClinVar:

ClinVar aggregate classification (germline): Uncertain significance. Review status: criteria provided, multiple submitters, no conflicts (2 of 4 stars). 4 submissions from 4 submitters: Uncertain significance (3). 1 of the submissions does not count toward it. Last evaluated 2025-08-10.

Conditions:
Biotinidase deficiency. Also called: BTD deficiency; Late-onset biotin-responsive multiple carboxylase deficiency; Biotin deficiency. Identifiers: Orphanet 79241, MedGen C0220754, MONDO:0009665, OMIM 253260.

Allele frequency attached by ClinVar (database versions not stated): gnomAD 0.00003; gnomAD exomes 0.00004; ExAC 0.00004; 1000 Genomes Project 0.00020; TOPMed 0.00002; 1000 Genomes Project 30x 0.00016.
gnomAD v4.1: 49 of 1,614,160 alleles (0.003%); highest among the groups gnomAD compares: South Asian, 0.022%; no homozygotes.

Submissions (4):

Dasa
Classification: Uncertain significance. Last evaluated: 2025-08-10. Review status: criteria provided, single submitter. Criteria: DASA Assertion Criteria. Collection method: clinical testing. Allele origin: germline.
Comment: NM_001370658.1(BTD):c.1046C>T (p.Pro349Leu) is a missense variant that results in the substitution of proline with leucine. Published studies describe this variant in association with related phenotype (PMID: 12359137; PMID: 29353266). Also, this variant is rare in population databases. The currently available literature and clinical evidence are not sufficient to establish a definitive association between this variant and the reported condition. Therefore, this variant is classified as a variant of uncertain significance.

Labcorp Genetics (formerly Invitae), Labcorp
Classification: Uncertain significance for Biotinidase deficiency. Last evaluated: 2022-09-13. Review status: criteria provided, single submitter. Criteria: Invitae Variant Classification Sherloc (09022015). Collection method: clinical testing. Allele origin: germline.
Comment: This sequence change replaces proline, which is neutral and non-polar, with leucine, which is neutral and non-polar, at codon 369 of the BTD protein (p.Pro369Leu). This variant is present in population databases (rs397514400, gnomAD 0.02%). This missense change has been observed in individual(s) with BTD-related conditions (PMID: 12359137, 29353266). ClinVar contains an entry for this variant (Variation ID: 25059). Algorithms developed to predict the effect of missense changes on protein structure and function output the following: SIFT: "Tolerated"; PolyPhen-2: "Benign"; Align-GVGD: "Class C0". The leucine amino acid residue is found in multiple mammalian species, which suggests that this missense change does not adversely affect protein function. In summary, the available evidence is currently insufficient to determine the role of this variant in disease. Therefore, it has been classified as a Variant of Uncertain Significance.

Victorian Clinical Genetics Services, Murdoch Childrens Research Institute
Classification: Uncertain significance for Biotinidase deficiency. Last evaluated: 2020-06-11. Review status: criteria provided, single submitter. Criteria: ACMG Guidelines, 2015. Collection method: clinical testing. Allele origin: germline. Inheritance: Autosomal recessive inheritance.
Comment: Based on the classification scheme VCGS_Germline_v1.1.1, this variant is classified as 3B-VUS. Following criteria are met: 0102 - Loss-of-function is a known mechanism of disease for this gene. (N) 0106 - This gene is known to be associated with autosomal recessive disease. (N) 0200 - Variant is predicted to result in a missense amino acid change from a proline to a leucine (exon 5). (N) 0251 - Variant is heterozygous. (N) 0304 - Variant is present in gnomAD <0.01 for a recessive condition (11 heterozygotes, 0 homozygotes). (P) 0504 - Same amino acid change has been observed in mammals. (B) 0604 - Variant is not located in an established domain, motif, hotspot or informative constraint region. (N) 0705 - No comparable variants have previous evidence for pathogenicity. (N) 0808 - Previous reports of pathogenicity are inconclusive. This variant has been reported as a VUS in ClinVar. It has also been reported in a patient with biotinidase deficiency, who also carried 2 other missense variants in BTD – one in cis and one in trans (PMID:12359137). However, the effect of this variant on the phenotype of that patient is unclear. (N) 0905 - No segregation evidence has been identified for this variant. (N) 1208 - Inheritance information for this variant is not currently available. (N) Legend: (P) - Pathogenic, (N) - Neutral, (B) - Benign

Counsyl
Classification: Uncertain significance for Biotinidase deficiency. Last evaluated: 2017-12-28. Review status: no assertion criteria provided. Collection method: clinical testing. Allele origin: unknown. Not counted in ClinVar's aggregate classification.

Literature cited by the submitters: PubMed 12359137 (cited by 4 submitters); PubMed 29353266 (cited by Dasa and Labcorp Genetics (formerly Invitae), Labcorp).

NM_001370658.1(BTD):c.1046C>T (p.Pro349Leu)

Gene: BTD (biotinidase; plus strand). Cytogenetic location: 3p25.1.
Variant type: single nucleotide variant.
Coding change: c.1046C>T on transcript NM_001370658.1 (MANE Select); coding-DNA position 1046, C replaced by T.
Protein change: p.Pro349Leu; replaces proline 349 with leucine.
Molecular consequence: missense variant. On other transcripts: intron variant (2).
Genome position (GRCh38, 1-based): chr3:15,644,962, C>T. VCF-style: chr3-15644962-C-T. GRCh37 (hg19) VCF-style: chr3-15686469-C-T.
Other names: c.1106C>T, p.Pro369Leu (NM_000060.4); c.1046C>T, p.Pro349Leu (NM_001281723.4, NM_001281724.3, NM_001281725.3 and 16 more transcripts); c.1015+31C>T (NM_001370752.1); c.399+2905C>T (NM_001370753.1); short protein forms P349L.
Identifiers: ClinVar variation 25059 (VCV000025059.10), dbSNP rs397514400, ClinGen allele CA278291.
Genomic context (GRCh38, chr3:15,644,962, plus strand): 5'-ATGCAACAGGTGAAACGGACCCATCCCATAGTAAGTTTTTAAAAATTTTGTCAGGCGATC[C>T]GTACTGTGAGAAGGATGCTCAGGAAGTCCACTGTGATGAGGCCACCAAGTGGAACGTGAA-3'
Protein context (NP_001357587.1, residues 339-359): SKFLKILSGD[Pro349Leu]YCEKDAQEVH